The following is an entry in ClinVar:

ClinVar aggregate classification (germline): Likely pathogenic (1 of 4 stars; one submission).

Conditions:
Nemaline myopathy 2 (NEM2). Also called: Nemaline myopathy 2, autosomal recessive. Identifiers: MedGen C1850569, MONDO:0009725, OMIM 256030.

Submission:

Labcorp Genetics (formerly Invitae), Labcorp
Classification: Likely pathogenic for Nemaline myopathy 2. Last evaluated: 2022-08-07. Review status: criteria provided, single submitter. Criteria: Invitae Variant Classification Sherloc (09022015). Collection method: clinical testing. Allele origin: germline.
Comment: This variant occurs in a region of NEB (Exons 82-105) consisting of three highly homologous 8-exon repeat units (exons 82-89, exons 90-97, exons 98-105). Sequence variants in this region can be detected, but this assay cannot determine which of the three repeat units is affected, and zygosity is often ambiguous. All variants in this region are reported relative to the exon 82-89 repeat. In summary, the currently available evidence indicates that the variant is pathogenic, but additional data are needed to prove that conclusively. Therefore, this variant has been classified as Likely Pathogenic. This sequence change affects an acceptor splice site in intron 87 of the NEB gene. It is expected to disrupt RNA splicing. Variants that disrupt the donor or acceptor splice site typically lead to a loss of protein function (PMID: 16199547), and loss-of-function variants in NEB are known to be pathogenic (PMID: 25205138). The frequency data for this variant in the population databases (gnomAD) is considered unreliable due to the presence of homologous sequence, such as pseudogenes or paralogs, in the genome. This variant has not been reported in the literature in individuals affected with NEB-related conditions. Algorithms developed to predict the effect of sequence changes on RNA splicing suggest that this variant may disrupt the consensus splice site.

Literature cited by the submitters: PubMed 16199547; PubMed 25205138.

NM_001164508.2(NEB):c.13369-2A>C

Gene: NEB (nebulin; minus strand). Cytogenetic location: 2q23.3.
Variant type: single nucleotide variant.
Coding change: c.13369-2A>C on transcript NM_001164508.2 (MANE Select); the canonical splice acceptor site of the intron before coding-DNA position 13369, A replaced by C.
Molecular consequence: splice acceptor variant. On other transcripts: intron variant (1).
Genome position (GRCh38, 1-based): chr2:151,602,010, T>G on the plus strand (A>C on the coding strand, the complement: NEB is on the minus strand). VCF-style: chr2-151602010-T-G. GRCh37 (hg19) VCF-style: chr2-152458524-T-G.
Other names: c.11601+7799A>C (NM_004543.5); c.13369-2A>C (NM_001164507.2, NM_001271208.2).
Identifiers: ClinVar variation 1965154 (VCV001965154.5), dbSNP rs2552220888, ClinGen allele CA348769519.
Genomic context (GRCh38, chr2:151,602,010, plus strand): 5'-TCTGCTCGCAGGTCATAACCAGTCATCTTGACATCTTCCCAAGCTTGCTGATAGCGTTTC[T>G]GCAAACAGAGAGTGCAATGCCACAGTCAGTCTGAAGAGGGAGCTACTGAGTCAGCATTAC-3'